The following is an entry in ClinVar:

NM_001312909.2(FAM111A):c.293A>G (p.His98Arg)

Gene: FAM111A (FAM111 trypsin like peptidase A; plus strand). Cytogenetic location: 11q12.1.
Variant type: single nucleotide variant.
Coding change: c.293A>G on transcript NM_001312909.2 (MANE Select); coding-DNA position 293, A replaced by G.
Protein change: p.His98Arg; replaces histidine 98 with arginine.
Molecular consequence: missense variant.
Genome position (GRCh38, 1-based): chr11:59,151,961, A>G. VCF-style: chr11-59151961-A-G. GRCh37 (hg19) VCF-style: chr11-58919434-A-G.
Other names: c.293A>G, p.His98Arg (NM_001142519.3, NM_001142520.3, NM_001142521.3 and 29 more transcripts); short protein forms H98R.
Identifiers: ClinVar variation 2128720 (VCV002128720.3), dbSNP rs2496275263, ClinGen allele CA380771870.

ClinVar aggregate classification (germline): Uncertain significance (1 of 4 stars; one submission).

Allele frequency attached by ClinVar (database versions not stated): gnomAD exomes below 0.00001.
gnomAD v4.1: 2 of 1,614,146 alleles (0.00012%); highest among the groups gnomAD compares: African/African-American, 0.0027%; no homozygotes.

Submission:

Labcorp Genetics (formerly Invitae), Labcorp
Classification: Uncertain significance. Last evaluated: 2024-01-03. Review status: criteria provided, single submitter. Criteria: Invitae Variant Classification Sherloc (09022015). Collection method: clinical testing. Allele origin: germline.
Comment: This sequence change replaces histidine, which is basic and polar, with arginine, which is basic and polar, at codon 98 of the FAM111A protein (p.His98Arg). This variant is not present in population databases (gnomAD no frequency). This variant has not been reported in the literature in individuals affected with FAM111A-related conditions. ClinVar contains an entry for this variant (Variation ID: 2128720). Advanced modeling of protein sequence and biophysical properties (such as structural, functional, and spatial information, amino acid conservation, physicochemical variation, residue mobility, and thermodynamic stability) performed at Invitae indicates that this missense variant is not expected to disrupt FAM111A protein function with a negative predictive value of 80%. In summary, the available evidence is currently insufficient to determine the role of this variant in disease. Therefore, it has been classified as a Variant of Uncertain Significance.